The following is an entry in ClinVar:

ClinVar aggregate classification (germline): Pathogenic (1 of 4 stars; one submission).

Conditions:
Combined oxidative phosphorylation defect type 14. Also called: Combined oxidative phosphorylation deficiency 14. Identifiers: Orphanet 319519, MedGen C4755312, MONDO:0013986, OMIM 614946.

Submission:

Labcorp Genetics (formerly Invitae), Labcorp
Classification: Pathogenic for Combined oxidative phosphorylation defect type 14. Last evaluated: 2023-11-27. Review status: criteria provided, single submitter. Criteria: Invitae Variant Classification Sherloc (09022015). Collection method: clinical testing. Allele origin: germline.
Comment: This variant is a gross deletion of the genomic region encompassing exon(s) 3 of the FARS2 gene. This deletion is out-of-frame, and is expected to create a premature termination codon and result in an absent or disrupted protein product. Loss-of-function variants in FARS2 are known to be pathogenic (PMID: 22833457). A similar copy number variant has been observed in individual(s) with FARS2-related conditions (PMID: 30634555). For these reasons, this variant has been classified as Pathogenic.

Literature cited by the submitters: PubMed 22833457; PubMed 30634555.

NC_000006.12:g.(?_5404522)_(5404721_?)del

Gene: FARS2 (phenylalanyl-tRNA synthetase 2, mitochondrial; plus strand). Cytogenetic location: 6p25.1.
Variant type: Deletion.
Identifiers: ClinVar variation 583751 (VCV000583751.7).